The following is an entry in ClinVar:

ClinVar aggregate classification (germline): Uncertain significance (1 of 4 stars; one submission).

Allele frequency attached by ClinVar (database versions not stated): gnomAD exomes below 0.00001; TOPMed 0.00003.
gnomAD v4.1: 1 of 1,611,156 alleles (0.000062%); highest among the groups gnomAD compares: Admixed American, 0.0017%; no homozygotes.

Submission:

Labcorp Genetics (formerly Invitae), Labcorp
Classification: Uncertain significance. Last evaluated: 2024-02-24. Review status: criteria provided, single submitter. Criteria: Invitae Variant Classification Sherloc (09022015). Collection method: clinical testing. Allele origin: germline.
Comment: This sequence change falls in intron 31 of the COL9A1 gene. It does not directly change the encoded amino acid sequence of the COL9A1 protein. This variant is not present in population databases (gnomAD no frequency). This variant has not been reported in the literature in individuals affected with COL9A1-related conditions. ClinVar contains an entry for this variant (Variation ID: 1351451). Algorithms developed to predict the effect of sequence changes on RNA splicing suggest that this variant may disrupt the consensus splice site. In summary, the available evidence is currently insufficient to determine the role of this variant in disease. Therefore, it has been classified as a Variant of Uncertain Significance.

NM_001851.6(COL9A1):c.2035-6T>A

Gene: COL9A1 (collagen type IX alpha 1 chain; minus strand). Cytogenetic location: 6q13.
Variant type: single nucleotide variant.
Coding change: c.2035-6T>A on transcript NM_001851.6 (MANE Select); 6 bases into the intron before coding-DNA position 2035, T replaced by A.
Molecular consequence: intron variant.
Genome position (GRCh38, 1-based): chr6:70,240,739, A>T on the plus strand (T>A on the coding strand, the complement: COL9A1 is on the minus strand). VCF-style: chr6-70240739-A-T. GRCh37 (hg19) VCF-style: chr6-70950442-A-T.
Other names: c.1306-6T>A (NM_001377290.1, NM_078485.4); c.1336-6T>A (NM_001377289.1).
Identifiers: ClinVar variation 1351451 (VCV001351451.6), dbSNP rs1770205046, ClinGen allele CA1636666655.
Genomic context (GRCh38, chr6:70,240,739, plus strand): 5'-AAAATCTTACAAGTTCCCCCCTTTCTCCTGCTTCACCTTCTTCACCAGAGGCACCCTAAA[A>T]ATTAAGATAAAAGGTTACATTTTAAAATTCTTAGTCCCATTGCCCAATTTTAACCAGTAA-3'